The following is an entry in ClinVar:

ClinVar aggregate classification (germline): Uncertain significance (1 of 4 stars; one submission).

gnomAD v4.1: 3 of 1,613,890 alleles (0.00019%); highest among the groups gnomAD compares: African/African-American, 0.004%; no homozygotes.

Submission:

Ambry Genetics
Classification: Uncertain significance. Last evaluated: 2025-02-13. Review status: criteria provided, single submitter. Criteria: Ambry Variant Classification Scheme 2023. Collection method: clinical testing. Allele origin: germline.
Comment: The p.M220R variant (also known as c.659T>G), located in coding exon 5 of the PDLIM3 gene, results from a T to G substitution at nucleotide position 659. The methionine at codon 220 is replaced by arginine, an amino acid with similar properties. This amino acid position is conserved. In addition, this alteration is predicted to be tolerated by in silico analysis. Based on the available evidence, the clinical significance of this variant remains unclear.

NM_014476.6(PDLIM3):c.659T>G (p.Met220Arg)

Gene: PDLIM3 (PDZ and LIM domain 3; minus strand). Cytogenetic location: 4q35.1.
Variant type: single nucleotide variant.
Coding change: c.659T>G on transcript NM_014476.6 (MANE Select); coding-DNA position 659, T replaced by G.
Protein change: p.Met220Arg; replaces methionine 220 with arginine.
Molecular consequence: missense variant. On other transcripts: intron variant (3).
Genome position (GRCh38, 1-based): chr4:185,508,302, A>C on the plus strand (T>G on the coding strand, the complement: PDLIM3 is on the minus strand). VCF-style: chr4-185508302-A-C. GRCh37 (hg19) VCF-style: chr4-186429456-A-C.
Other names: c.162-1650T>G (NM_001257963.2); c.399-1650T>G (NM_001257962.2); c.519-1650T>G (NM_001114107.5); short protein forms M220R.
Identifiers: ClinVar variation 3887493 (VCV003887493.1).